The following is an entry in ClinVar:

NM_002227.4(JAK1):c.3190G>A (p.Val1064Ile)

Gene: JAK1 (Janus kinase 1; minus strand). Cytogenetic location: 1p31.3.
Variant type: single nucleotide variant.
Coding change: c.3190G>A on transcript NM_002227.4 (MANE Select); coding-DNA position 3190, G replaced by A.
Protein change: p.Val1064Ile; replaces valine 1064 with isoleucine.
Molecular consequence: missense variant.
Genome position (GRCh38, 1-based): chr1:64,836,166, C>T on the plus strand (G>A on the coding strand, the complement: JAK1 is on the minus strand). VCF-style: chr1-64836166-C-T. GRCh37 (hg19) VCF-style: chr1-65301849-C-T.
Other names: c.3190G>A, p.Val1064Ile (NM_001320923.2, NM_001321852.2, NM_001321853.2 and 3 more transcripts); c.3187G>A, p.Val1063Ile (NM_001321857.2); short protein forms V1064I, V1063I.
Identifiers: ClinVar variation 1357039 (VCV001357039.6), dbSNP rs1013552862, ClinGen allele CA23897973.

ClinVar aggregate classification (germline): Uncertain significance (1 of 4 stars; one submission).

Allele frequency attached by ClinVar (database versions not stated): gnomAD exomes below 0.00001; TOPMed 0.00001; gnomAD 0.00002 and 0.00003.
gnomAD v4.1: 9 of 1,613,188 alleles (0.00056%); highest among the groups gnomAD compares: Admixed American, 0.0033%; no homozygotes.

Submission:

Labcorp Genetics (formerly Invitae), Labcorp
Classification: Uncertain significance. Last evaluated: 2025-09-22. Review status: criteria provided, single submitter. Criteria: Invitae Variant Classification Sherloc (09022015). Collection method: clinical testing. Allele origin: germline.
Comment: This sequence change replaces valine, which is neutral and non-polar, with isoleucine, which is neutral and non-polar, at codon 1064 of the JAK1 protein (p.Val1064Ile). This variant is present in population databases (no rsID available, gnomAD 0.007%). This variant has not been reported in the literature in individuals affected with JAK1-related conditions. ClinVar contains an entry for this variant (Variation ID: 1357039). Invitae Evidence Modeling of protein sequence and biophysical properties (such as structural, functional, and spatial information, amino acid conservation, physicochemical variation, residue mobility, and thermodynamic stability) indicates that this missense variant is not expected to disrupt JAK1 protein function with a negative predictive value of 80%. In summary, the available evidence is currently insufficient to determine the role of this variant in disease. Therefore, it has been classified as a Variant of Uncertain Significance.